The following is an entry in ClinVar:

ClinVar aggregate classification (germline): Uncertain significance. Review status: criteria provided, multiple submitters, no conflicts (2 of 4 stars). 2 submissions from 2 submitters: Uncertain significance (2). Last evaluated 2026-01-04.

Conditions:
POLD1-related polyposis and colorectal cancer syndrome (CRCS10). Also called: Colorectal cancer 10; COLORECTAL CANCER, SUSCEPTIBILITY TO, ON CHROMOSOME 19q; Colorectal cancer, susceptibility to, 10. Identifiers: Orphanet 220460, MedGen C2675481, MONDO:0012953, OMIM 612591.
Hereditary cancer-predisposing syndrome. Also called: Hereditary neoplastic syndrome; Tumor predisposition; Neoplastic Syndromes, Hereditary; Hereditary Cancer Syndrome. Identifiers: Orphanet 140162, MedGen C0027672, MeSH D009386, MONDO:0015356.

Allele frequency attached by ClinVar (database versions not stated): TOPMed below 0.00001; gnomAD 0.00001; gnomAD exomes 0.00001.
gnomAD v4.1: 8 of 1,599,284 alleles (0.0005%); highest among the groups gnomAD compares: South Asian, 0.0034%; no homozygotes.

Submissions (2):

Labcorp Genetics (formerly Invitae), Labcorp
Classification: Uncertain significance for POLD1-related polyposis and colorectal cancer syndrome. Last evaluated: 2026-01-04. Review status: criteria provided, single submitter. Criteria: Invitae Variant Classification Sherloc (09022015). Collection method: clinical testing. Allele origin: germline.
Comment: This sequence change replaces threonine, which is neutral and polar, with methionine, which is neutral and non-polar, at codon 473 of the POLD1 protein (p.Thr473Met). This variant is not present in population databases (gnomAD no frequency). This variant has not been reported in the literature in individuals affected with POLD1-related conditions. ClinVar contains an entry for this variant (Variation ID: 952486). Invitae Evidence Modeling of protein sequence and biophysical properties (such as structural, functional, and spatial information, amino acid conservation, physicochemical variation, residue mobility, and thermodynamic stability) indicates that this missense variant is expected to disrupt POLD1 protein function with a positive predictive value of 80%. In summary, the available evidence is currently insufficient to determine the role of this variant in disease. Therefore, it has been classified as a Variant of Uncertain Significance.

Ambry Genetics
Classification: Uncertain significance for Hereditary cancer-predisposing syndrome. Last evaluated: 2025-09-26. Review status: criteria provided, single submitter. Criteria: Ambry Variant Classification Scheme 2023. Collection method: clinical testing. Allele origin: germline.
Comment: The p.T473M variant (also known as c.1418C>T), located in coding exon 11 of the POLD1 gene, results from a C to T substitution at nucleotide position 1418. The threonine at codon 473 is replaced by methionine, an amino acid with similar properties. This amino acid position is highly conserved in available vertebrate species. In addition, the in silico prediction for this alteration is inconclusive. Since supporting evidence is limited at this time, the clinical significance of this alteration remains unclear.

NM_002691.4(POLD1):c.1418C>T (p.Thr473Met)

Gene: POLD1 (DNA polymerase delta 1, catalytic subunit; plus strand). Cytogenetic location: 19q13.33.
Variant type: single nucleotide variant.
Coding change: c.1418C>T on transcript NM_002691.4 (MANE Select); coding-DNA position 1418, C replaced by T.
Protein change: p.Thr473Met; replaces threonine 473 with methionine.
Molecular consequence: missense variant. On other transcripts: non-coding transcript variant (1).
Genome position (GRCh38, 1-based): chr19:50,406,441, C>T. VCF-style: chr19-50406441-C-T. GRCh37 (hg19) VCF-style: chr19-50909698-C-T.
Other names: c.1418C>T, p.Thr473Met (NM_001256849.1, NM_001308632.1); short protein forms T473M.
Identifiers: ClinVar variation 952486 (VCV000952486.10), dbSNP rs2038886050, ClinGen allele CA406980090.
Genomic context (GRCh38, chr19:50,406,441, plus strand): 5'-GCCCACCAGCCCACCCACCCACCTAGGTGCTGCTGCGGGAGTACAAGCTCCGCTCCTACA[C>T]GCTCAATGCCGTGAGCTTCCACTTCCTGGGCGAGCAGAAGGAGGACGTGCAGCACAGCAT-3'
Protein context (NP_002682.2, residues 463-483): LLREYKLRSY[Thr473Met]LNAVSFHFLG